The following is an entry in ClinVar:

NC_000016.10:g.35069552_35582805dup

Genes: LINC01566 (long intergenic non-protein coding RNA 1566; plus strand), LOC105371200 (uncharacterized LOC105371200; plus strand), LOC112268173 (uncharacterized LOC112268173; plus strand), LOC112441448 (Sharpr-MPRA regulatory region 3600; plus strand). Cytogenetic location: 16p11.2-11.1.
Variant type: Duplication.
Identifiers: ClinVar variation 157368 (VCV000157368.2).

ClinVar aggregate classification (germline): not provided (0 of 4 stars; one submission).

Conditions:
Normal pregnancy. Identifiers: MedGen C0232989.

Submission:

Institute of Molecular and Cell Biology, University of Tartu
No classification provided. Condition: Normal pregnancy. Review status: no classification provided. Collection method: case-control. Allele origin: unknown. Affected: yes. Study: Kasak2014.
Comment: The study aimed to determine the contribution of copy number variants in the genetic etiology of normal and complicated pregnancies. The samples represented (i) maternal blood DNA drawn from healthy pregnant women during 1st or 2nd trimester and (ii) maternal and paternal blood DNA drawn at term pregnancy cases representing normal and complicated gestations (severe preeclampsia, PE; gestational diabetes, GD; small-for-gestational age newborn, SGA; large-for-gestational age newborn, LGA). We performed CNV calling based on genome-wide genotyping dataset (Illumina HumanOmniExpress-24-v1 BeadChip) by applying three algorithms, QuantiSNP, GADA (Genome Alteration Detection Algorithm) and CNstream in parallel. The acquired CNV calls were merged with HD-CNV (Hotspot Detector for Copy Number Variants) program and only the CNVs predicted by at least two programs, were considered in subsequent analysis.

Literature cited by the submitters: PubMed 25666259.